The following is an entry in ClinVar:

ClinVar aggregate classification (germline): Uncertain significance (1 of 4 stars; one submission).

Conditions:
Glutaric aciduria, type 1. Also called: Glutaric Acidemia Type 1; Glutaricaciduria, type I; Glutaryl-CoA dehydrogenase deficiency; Glutaric acidemia type I; Glutaricacidemia Type 1; GA I. Identifiers: Orphanet 25, MedGen C0268595, MONDO:0009281, OMIM 231670.

Submission:

Labcorp Genetics (formerly Invitae), Labcorp
Classification: Uncertain significance for Glutaric aciduria, type 1. Last evaluated: 2024-06-10. Review status: criteria provided, single submitter. Criteria: Invitae Variant Classification Sherloc (09022015). Collection method: clinical testing. Allele origin: germline.
Comment: This sequence change replaces cysteine, which is neutral and slightly polar, with tyrosine, which is neutral and polar, at codon 176 of the GCDH protein (p.Cys176Tyr). This variant is not present in population databases (gnomAD no frequency). This variant has not been reported in the literature in individuals affected with GCDH-related conditions. Advanced modeling of protein sequence and biophysical properties (such as structural, functional, and spatial information, amino acid conservation, physicochemical variation, residue mobility, and thermodynamic stability) performed at Invitae indicates that this missense variant is expected to disrupt GCDH protein function with a positive predictive value of 80%. In summary, the available evidence is currently insufficient to determine the role of this variant in disease. Therefore, it has been classified as a Variant of Uncertain Significance.

NM_000159.4(GCDH):c.527G>A (p.Cys176Tyr)

Gene: GCDH (glutaryl-CoA dehydrogenase; plus strand). Cytogenetic location: 19p13.13.
Variant type: single nucleotide variant.
Coding change: c.527G>A on transcript NM_000159.4 (MANE Select); coding-DNA position 527, G replaced by A.
Protein change: p.Cys176Tyr; replaces cysteine 176 with tyrosine.
Molecular consequence: missense variant. On other transcripts: non-coding transcript variant (2).
Genome position (GRCh38, 1-based): chr19:12,896,013, G>A. VCF-style: chr19-12896013-G-A. GRCh37 (hg19) VCF-style: chr19-13006827-G-A.
Other names: c.527G>A, p.Cys176Tyr (NM_013976.5); short protein forms C176Y.
Identifiers: ClinVar variation 3700261 (VCV003700261.2).